The following is an entry in ClinVar:

ClinVar aggregate classification (germline): Uncertain significance (1 of 4 stars; one submission).

Submission:

Labcorp Genetics (formerly Invitae), Labcorp
Classification: Uncertain significance. Last evaluated: 2023-09-01. Review status: criteria provided, single submitter. Criteria: Invitae Variant Classification Sherloc (09022015). Collection method: clinical testing. Allele origin: germline.
Comment: In summary, the available evidence is currently insufficient to determine the role of this variant in disease. Therefore, it has been classified as a Variant of Uncertain Significance. Advanced modeling of protein sequence and biophysical properties (such as structural, functional, and spatial information, amino acid conservation, physicochemical variation, residue mobility, and thermodynamic stability) performed at Invitae indicates that this missense variant is not expected to disrupt SOX11 protein function. This variant has not been reported in the literature in individuals affected with SOX11-related conditions. This variant is not present in population databases (gnomAD no frequency). This sequence change replaces proline, which is neutral and non-polar, with alanine, which is neutral and non-polar, at codon 258 of the SOX11 protein (p.Pro258Ala).

NM_003108.4(SOX11):c.772C>G (p.Pro258Ala)

Gene: SOX11 (SRY-box transcription factor 11; plus strand). Cytogenetic location: 2p25.2.
Variant type: single nucleotide variant.
Coding change: c.772C>G on transcript NM_003108.4 (MANE Select); coding-DNA position 772, C replaced by G.
Protein change: p.Pro258Ala; replaces proline 258 with alanine.
Molecular consequence: missense variant.
Genome position (GRCh38, 1-based): chr2:5,693,493, C>G. VCF-style: chr2-5693493-C-G. GRCh37 (hg19) VCF-style: chr2-5833625-C-G.
Other names: short protein forms P258A.
Identifiers: ClinVar variation 2757332 (VCV002757332.3), dbSNP rs755100945, ClinGen allele CA345867422.